The following is an entry in ClinVar:

NM_004937.2(CTNS):c.-313G>A

Genes: CTNS (cystinosin, lysosomal cystine transporter; plus strand), LOC130059980 (ATAC-STARR-seq lymphoblastoid active region 11511; plus strand). Cytogenetic location: 17p13.2.
Variant type: single nucleotide variant.
Coding change: c.-313G>A on transcript NM_004937.2; 313 bases upstream of the start codon, G replaced by A.
Molecular consequence: intron variant (on NM_001031681.3).
Genome position (GRCh38, 1-based): chr17:3,636,748, G>A. VCF-style: chr17-3636748-G-A. GRCh37 (hg19) VCF-style: chr17-3540042-G-A.
Other names: c.-230+40G>A (NM_001031681.3).
Identifiers: ClinVar variation 322822 (VCV000322822.8), dbSNP rs17707869, ClinGen allele CA10639459.

ClinVar aggregate classification (germline): Benign. Review status: criteria provided, multiple submitters, no conflicts (2 of 4 stars). 4 submissions from 3 submitters: Benign (4). Last evaluated 2018-06-19.

Conditions:
Nephropathic cystinosis (CTNS). Also called: CYSTINOSIN, DEFECT OF; LYSOSOMAL CYSTINE TRANSPORT PROTEIN, DEFECT OF; Abderhalden Lignac Kaufmann disease; Abderhalden-Kaufmann-Lignac syndrome. Identifiers: Orphanet 213, Orphanet 411629, MedGen C2931187, MONDO:0100151, OMIM 219800.
Ocular cystinosis. Also called: Non-Nephropathic Cystinosis; Non-Nephropathic (Ocular) Cystinosis. Identifiers: Orphanet 213, Orphanet 411641, MedGen C2931013, MONDO:0009064, OMIM 219750.

Allele frequency attached by ClinVar (database versions not stated): TOPMed 0.13323; gnomAD 0.13833 and 0.13396; 1000 Genomes Project 0.15395; 1000 Genomes Project 30x 0.15240; gnomAD exomes 0.13976.
gnomAD v4.1: 21,159 of 153,334 alleles (14%); highest among the groups gnomAD compares: East Asian, 25%; 1,866 homozygotes.

Submissions (4):

GeneDx
Classification: Benign. Last evaluated: 2018-06-19. Review status: criteria provided, single submitter. Criteria: GeneDx Variant Classification (06012015). Collection method: clinical testing. Allele origin: germline. Affected: yes.
Comment: This variant is considered likely benign or benign based on one or more of the following criteria: it is a conservative change, it occurs at a poorly conserved position in the protein, it is predicted to be benign by multiple in silico algorithms, and/or has population frequency not consistent with disease.

Illumina Laboratory Services, Illumina
Classification: Benign for Nephropathic cystinosis. Last evaluated: 2018-01-13. Review status: criteria provided, single submitter. Criteria: ICSL Variant Classification Criteria 13 December 2019. Collection method: clinical testing. Allele origin: germline.
Comment: This variant was observed in the ICSL laboratory as part of a predisposition screen in an ostensibly healthy population. It had not been previously curated by ICSL or reported in the Human Gene Mutation Database (HGMD: prior to June 1st, 2018), and was therefore a candidate for classification through an automated scoring system. Utilizing variant allele frequency, disease prevalence and penetrance estimates, and inheritance mode, an automated score was calculated to assess if this variant is too frequent to cause the disease. Based on the score and internal cut-off values, a variant classified as benign is not then subjected to further curation. The score for this variant resulted in a classification of benign for this disease.

Illumina Laboratory Services, Illumina
Classification: Benign for Ocular cystinosis. Last evaluated: 2018-01-13. Review status: criteria provided, single submitter. Criteria: ICSL Variant Classification Criteria 13 December 2019. Collection method: clinical testing. Allele origin: germline.
Comment: the same text as in the submission from Illumina Laboratory Services, Illumina above.

Breakthrough Genomics
Classification: Benign. Review status: criteria provided, single submitter. Criteria: ACMG Guidelines, 2015. Collection method: not provided. Allele origin: germline. Inheritance: Autosomal recessive inheritance. Affected: yes.